The following is an entry in ClinVar:

NM_001182.5(ALDH7A1):c.365G>T (p.Arg122Leu)

Gene: ALDH7A1 (aldehyde dehydrogenase 7 family member A1; minus strand). Cytogenetic location: 5q23.2.
Variant type: single nucleotide variant.
Coding change: c.365G>T on transcript NM_001182.5 (MANE Select); coding-DNA position 365, G replaced by T.
Protein change: p.Arg122Leu; replaces arginine 122 with leucine.
Molecular consequence: missense variant.
Genome position (GRCh38, 1-based): chr5:126,583,960, C>A on the plus strand (G>T on the coding strand, the complement: ALDH7A1 is on the minus strand). VCF-style: chr5-126583960-C-A. GRCh37 (hg19) VCF-style: chr5-125919652-C-A.
Other names: c.281G>T, p.Arg94Leu (NM_001201377.2); c.365G>T, p.Arg122Leu (NM_001202404.2); short protein forms R122L, R94L.
Identifiers: ClinVar variation 4801537 (VCV004801537.1).
Genomic context (GRCh38, chr5:126,583,960, plus strand): 5'-AGAATTGTGTATATACTACAAAAATACTTTACCAAGCTTCCTAGTACTTGGATCTTCTCC[C>A]GCAAGGCATCGCCAATCTGTCTTACTATTTCTCCTCGTTTTGGAGCAGGAATCTAAGAAA-3'
Protein context (NP_001173.2, residues 112-132): EIVRQIGDAL[Arg122Leu]EKIQVLGSLV

ClinVar aggregate classification (germline): Likely pathogenic (1 of 4 stars; one submission).

Conditions:
Pyridoxine-dependent epilepsy (EPEO4). Also called: Pyridoxine-Dependent Seizures; EPILEPSY, EARLY-ONSET, 4, VITAMIN B6-DEPENDENT; PYRIDOXINE DEPENDENCY WITH SEIZURES; Pyridoxine-Dependent Epilepsy - ALDH7A1. Identifiers: Orphanet 3006, MedGen C1849508, MONDO:0009945, OMIM 266100. Disease mechanism: loss of function.

Submission:

Labcorp Genetics (formerly Invitae), Labcorp
Classification: Likely pathogenic for Pyridoxine-dependent epilepsy. Last evaluated: 2025-07-13. Review status: criteria provided, single submitter. Criteria: Invitae Variant Classification Sherloc (09022015). Collection method: clinical testing. Allele origin: germline.
Comment: This sequence change replaces arginine, which is basic and polar, with leucine, which is neutral and non-polar, at codon 122 of the ALDH7A1 protein (p.Arg122Leu). This variant is not present in population databases (gnomAD no frequency). This variant has not been reported in the literature in individuals affected with ALDH7A1-related conditions. Invitae Evidence Modeling of protein sequence and biophysical properties (such as structural, functional, and spatial information, amino acid conservation, physicochemical variation, residue mobility, and thermodynamic stability) indicates that this missense variant is expected to disrupt ALDH7A1 protein function with a positive predictive value of 95%. This variant disrupts the p.Arg122 amino acid residue in ALDH7A1. Other variant(s) that disrupt this residue have been determined to be pathogenic (PMID: 31737911). This suggests that this residue is clinically significant, and that variants that disrupt this residue are likely to be disease-causing. In summary, the currently available evidence indicates that the variant is pathogenic, but additional data are needed to prove that conclusively. Therefore, this variant has been classified as Likely Pathogenic.

Literature cited by the submitters: PubMed 31737911.